The following is an entry in ClinVar:

NM_000061.3(BTK):c.100G>C (p.Val34Leu)

Gene: BTK (Bruton tyrosine kinase; minus strand). Cytogenetic location: Xq22.1.
Variant type: single nucleotide variant.
Coding change: c.100G>C on transcript NM_000061.3 (MANE Select); coding-DNA position 100, G replaced by C.
Protein change: p.Val34Leu; replaces valine 34 with leucine.
Molecular consequence: missense variant.
Genome position (GRCh38, 1-based): chrX:101,375,185, C>G on the plus strand (G>C on the coding strand, the complement: BTK is on the minus strand). VCF-style: chrX-101375185-C-G. GRCh37 (hg19) VCF-style: chrX-100630173-C-G.
Other names: c.202G>C, p.Val68Leu (NM_001287344.2); c.100G>C, p.Val34Leu (NM_001287345.2); short protein forms V34L, V68L.
Identifiers: ClinVar variation 2115418 (VCV002115418.3), dbSNP rs141488935, ClinGen allele CA413939433.

ClinVar aggregate classification (germline): Uncertain significance (1 of 4 stars; one submission).

Conditions:
X-linked agammaglobulinemia with growth hormone deficiency (IGHD3). Also called: Isolated growth hormone deficiency type 3; Growth hormone deficiency with hypogammaglobulinemia; HYPOGAMMAGLOBULINEMIA AND ISOLATED GROWTH HORMONE DEFICIENCY, X-LINKED; IGHD III; ISOLATED GROWTH HORMONE DEFICIENCY, TYPE III, WITH AGAMMAGLOBULINEMIA; AGAMMAGLOBULINEMIA AND ISOLATED GROWTH HORMONE DEFICIENCY, X-LINKED. Identifiers: Orphanet 231692, Orphanet 631, MedGen C0472813, MONDO:0010615, OMIM 307200.

Submission:

Labcorp Genetics (formerly Invitae), Labcorp
Classification: Uncertain significance for X-linked agammaglobulinemia with growth hormone deficiency. Last evaluated: 2024-01-08. Review status: criteria provided, single submitter. Criteria: Invitae Variant Classification Sherloc (09022015). Collection method: clinical testing. Allele origin: germline.
Comment: This sequence change replaces valine, which is neutral and non-polar, with leucine, which is neutral and non-polar, at codon 34 of the BTK protein (p.Val34Leu). This variant is not present in population databases (gnomAD no frequency). This variant has not been reported in the literature in individuals affected with BTK-related conditions. ClinVar contains an entry for this variant (Variation ID: 2115418). Advanced modeling of protein sequence and biophysical properties (such as structural, functional, and spatial information, amino acid conservation, physicochemical variation, residue mobility, and thermodynamic stability) performed at Invitae indicates that this missense variant is not expected to disrupt BTK protein function with a negative predictive value of 95%. In summary, the available evidence is currently insufficient to determine the role of this variant in disease. Therefore, it has been classified as a Variant of Uncertain Significance.